The following is an entry in ClinVar:

NM_004369.4(COL6A3):c.-115G>A

Gene: COL6A3 (collagen type VI alpha 3 chain; minus strand). Cytogenetic location: 2q37.3.
Variant type: single nucleotide variant.
Coding change: c.-115G>A on transcript NM_004369.4 (MANE Select); 115 bases upstream of the start codon, G replaced by A.
Molecular consequence: 5 prime UTR variant.
Genome position (GRCh38, 1-based): chr2:237,414,037, C>T on the plus strand (G>A on the coding strand, the complement: COL6A3 is on the minus strand). VCF-style: chr2-237414037-C-T. GRCh37 (hg19) VCF-style: chr2-238322680-C-T.
Other names: c.-115G>A (NM_057164.5, NM_057165.5, NM_057166.5 and 1 more transcripts).
Identifiers: ClinVar variation 335148 (VCV000335148.5), dbSNP rs539393683, ClinGen allele CA10613216.

ClinVar aggregate classification (germline): Benign (1 of 4 stars; one submission).

Conditions:
Collagen 6-related myopathy. Identifiers: MedGen CN117976, MONDO:0100225.

Allele frequency attached by ClinVar (database versions not stated): 1000 Genomes Project 0.00180; 1000 Genomes Project 30x 0.00219.

Submission:

Illumina Laboratory Services, Illumina
Classification: Benign for Collagen VI-related myopathy. Last evaluated: 2018-01-13. Review status: criteria provided, single submitter. Criteria: ICSL Variant Classification Criteria 13 December 2019. Collection method: clinical testing. Allele origin: germline.
Comment: This variant was observed in the ICSL laboratory as part of a predisposition screen in an ostensibly healthy population. It had not been previously curated by ICSL or reported in the Human Gene Mutation Database (HGMD: prior to June 1st, 2018), and was therefore a candidate for classification through an automated scoring system. Utilizing variant allele frequency, disease prevalence and penetrance estimates, and inheritance mode, an automated score was calculated to assess if this variant is too frequent to cause the disease. Based on the score and internal cut-off values, a variant classified as benign is not then subjected to further curation. The score for this variant resulted in a classification of benign for this disease.